The following is an entry in ClinVar:

NM_052947.4(ALPK2):c.3770C>A (p.Ser1257Tyr)

Genes: ALPK2 (alpha kinase 2; minus strand), LOC126862764 (BRD4-independent group 4 enhancer GRCh37_chr18:56202574-56203773; plus strand). Cytogenetic location: 18q21.31.
Variant type: single nucleotide variant.
Coding change: c.3770C>A on transcript NM_052947.4 (MANE Select); coding-DNA position 3770, C replaced by A.
Protein change: p.Ser1257Tyr; replaces serine 1257 with tyrosine.
Molecular consequence: missense variant.
Genome position (GRCh38, 1-based): chr18:58,536,417, G>T on the plus strand (C>A on the coding strand, the complement: ALPK2 is on the minus strand). VCF-style: chr18-58536417-G-T. GRCh37 (hg19) VCF-style: chr18-56203649-G-T.
Other names: short protein forms S1257Y.
Identifiers: ClinVar variation 3288497 (VCV003288497.1).

ClinVar aggregate classification (germline): Uncertain significance (1 of 4 stars; one submission).

Submission:

Ambry Genetics
Classification: Uncertain significance. Last evaluated: 2024-05-31. Review status: criteria provided, single submitter. Criteria: Ambry Variant Classification Scheme 2023. Collection method: clinical testing. Allele origin: germline.
Comment: The p.S1257Y variant (also known as c.3770C>A), located in coding exon 4 of the ALPK2 gene, results from a C to A substitution at nucleotide position 3770. The serine at codon 1257 is replaced by tyrosine, an amino acid with dissimilar properties. This amino acid position is conserved. In addition, this alteration is predicted to be tolerated by in silico analysis. Based on the available evidence, the clinical significance of this variant remains unclear.